The following is an entry in ClinVar:

NM_014889.4(PITRM1):c.1502C>T (p.Thr501Ile)

Gene: PITRM1 (pitrilysin metallopeptidase 1; minus strand). Cytogenetic location: 10p15.2.
Variant type: single nucleotide variant.
Coding change: c.1502C>T on transcript NM_014889.4 (MANE Select); coding-DNA position 1502, C replaced by T.
Protein change: p.Thr501Ile; replaces threonine 501 with isoleucine.
Molecular consequence: missense variant. On other transcripts: non-coding transcript variant (4).
Genome position (GRCh38, 1-based): chr10:3,155,710, G>A on the plus strand (C>T on the coding strand, the complement: PITRM1 is on the minus strand). VCF-style: chr10-3155710-G-A. GRCh37 (hg19) VCF-style: chr10-3197902-G-A.
Other names: c.1502C>T (NM_001242307.1); c.1502C>T, p.Thr501Ile (NM_001242307.2, NM_001347725.2); c.1406C>T, p.Thr469Ile (NM_001242309.1); c.887C>T, p.Thr296Ile (NM_001347726.2, NM_001347727.2); c.197C>T, p.Thr66Ile (NM_001347728.2); c.1478C>T, p.Thr493Ile (NM_001347729.1, NM_001347730.1); short protein forms T469I, T66I, T493I, T501I, T296I.
Identifiers: ClinVar variation 2083507 (VCV002083507.6), dbSNP rs73579025, ClinGen allele CA5387804.

ClinVar aggregate classification (germline): Likely benign. Review status: criteria provided, single submitter (1 of 4 stars). 2 submissions from 2 submitters: Likely benign (1). 1 of the submissions does not count toward it. Last evaluated 2025-12-21.

Conditions:
PITRM1-related disorder. Also called: PITRM1-related condition.

Allele frequency attached by ClinVar (database versions not stated): ExAC 0.00030; ESP Exome Variant Server 0.00080; gnomAD 0.00122; TOPMed 0.00148; 1000 Genomes Project 0.00160; 1000 Genomes Project 30x 0.00172.
gnomAD v4.1: 375 of 1,613,848 alleles (0.023%); highest among the groups gnomAD compares: African/African-American, 0.45%; 1 homozygote.

Submissions (2):

Labcorp Genetics (formerly Invitae), Labcorp
Classification: Likely benign. Last evaluated: 2025-12-21. Review status: criteria provided, single submitter. Criteria: Invitae Variant Classification Sherloc (09022015). Collection method: clinical testing. Allele origin: germline.

PreventionGenetics, part of Exact Sciences
Classification: Likely benign for PITRM1-related condition. Last evaluated: 2022-03-28. Review status: no assertion criteria provided. Collection method: clinical testing. Allele origin: germline. Not counted in ClinVar's aggregate classification.
Comment: This variant is classified as likely benign based on ACMG/AMP sequence variant interpretation guidelines (Richards et al. 2015 PMID: 25741868, with internal and published modifications).